The following is an entry in ClinVar:

NM_021224.6(ZNF462):c.6347G>A (p.Arg2116Gln)

Gene: ZNF462 (zinc finger protein 462; plus strand). Cytogenetic location: 9q31.2.
Variant type: single nucleotide variant.
Coding change: c.6347G>A on transcript NM_021224.6 (MANE Select); coding-DNA position 6347, G replaced by A.
Protein change: p.Arg2116Gln; replaces arginine 2116 with glutamine.
Molecular consequence: missense variant.
Genome position (GRCh38, 1-based): chr9:106,939,027, G>A. VCF-style: chr9-106939027-G-A. GRCh37 (hg19) VCF-style: chr9-109701308-G-A.
Other names: c.3752G>A, p.Arg1251Gln (NM_001347997.2); short protein forms R1251Q, R2116Q.
Identifiers: ClinVar variation 3029351 (VCV003029351.2), dbSNP rs1274061321, ClinGen allele CA374426956.

ClinVar aggregate classification (germline): Uncertain significance (0 of 4 stars; one submission).

Conditions:
ZNF462-related disorder. Also called: ZNF462-related condition; ZNF462 related disease.

Allele frequency attached by ClinVar (database versions not stated): gnomAD exomes below 0.00001; TOPMed 0.00001.
gnomAD v4.1: 3 of 1,613,826 alleles (0.00019%); highest among the groups gnomAD compares: East Asian, 0.0022%; no homozygotes.

Submission:

PreventionGenetics, part of Exact Sciences
Classification: Uncertain significance for ZNF462-related condition. Last evaluated: 2023-11-17. Review status: no assertion criteria provided. Collection method: clinical testing. Allele origin: germline.
Comment: The ZNF462 c.6347G>A variant is predicted to result in the amino acid substitution p.Arg2116Gln. To our knowledge, this variant has not been reported in the literature or in a large population database, indicating this variant is rare. At this time, the clinical significance of this variant is uncertain due to the absence of conclusive functional and genetic evidence.